The following is an entry in ClinVar:

ClinVar aggregate classification (germline): Uncertain significance (1 of 4 stars; one submission).

Submission:

Women's Health and Genetics/Laboratory Corporation of America, LabCorp
Classification: Uncertain significance. Last evaluated: 2020-06-22. Review status: criteria provided, single submitter. Criteria: LabCorp Variant Classification Summary - May 2015. Collection method: clinical testing. Allele origin: germline.
Comment: Variant summary: LZTR1 c.2407-20C>A alters a nucleotide located close to a canonical splice site and therefore could affect mRNA splicing, leading to a significantly altered protein sequence. 4/4 computational tools predict no significant impact on normal splicing. However, these predictions have yet to be confirmed by functional studies. The variant was absent in 249424 control chromosomes. The available data on variant occurrences in the general population are insufficient to allow any conclusion about variant significance. To our knowledge, no occurrence of c.2407-20C>A in individuals affected with Noonan Syndrome And Related Conditions and no experimental evidence demonstrating its impact on protein function have been reported. No clinical diagnostic laboratories have submitted clinical-significance assessments for this variant to ClinVar after 2014. Based on the evidence outlined above, the variant was classified as uncertain significance.

NM_006767.4(LZTR1):c.2407-20C>A

Gene: LZTR1 (leucine zipper like transcription regulator 1; plus strand). Cytogenetic location: 22q11.21.
Variant type: single nucleotide variant.
Coding change: c.2407-20C>A on transcript NM_006767.4 (MANE Select); 20 bases into the intron before coding-DNA position 2407, C replaced by A.
Molecular consequence: intron variant.
Genome position (GRCh38, 1-based): chr22:20,997,212, C>A. VCF-style: chr22-20997212-C-A. GRCh37 (hg19) VCF-style: chr22-21351501-C-A.
Identifiers: ClinVar variation 933160 (VCV000933160.1), dbSNP rs1924894264, ClinGen allele CA1139666980.